The following is an entry in ClinVar:

NM_004304.5(ALK):c.1543C>G (p.Gln515Glu)

Gene: ALK (ALK receptor tyrosine kinase; minus strand). Cytogenetic location: 2p23.2.
Variant type: single nucleotide variant.
Coding change: c.1543C>G on transcript NM_004304.5 (MANE Select); coding-DNA position 1543, C replaced by G.
Protein change: p.Gln515Glu; replaces glutamine 515 with glutamic acid.
Molecular consequence: missense variant.
Genome position (GRCh38, 1-based): chr2:29,320,754, G>C on the plus strand (C>G on the coding strand, the complement: ALK is on the minus strand). VCF-style: chr2-29320754-G-C. GRCh37 (hg19) VCF-style: chr2-29543620-G-C.
Other names: short protein forms Q515E.
Identifiers: ClinVar variation 855138 (VCV000855138.10), dbSNP rs1485228012, ClinGen allele CA346472183.
Genomic context (GRCh38, chr2:29,320,754, plus strand): 5'-TCTGTCTATGTGGGCATGAAGATGGGCACCAGAGAGAAGGCAGGAGAGCAGTAGTACCTT[G>C]GTGGTCCTGGAACCGGGCATCCTTTAGGGTCCTGACCTGCCATTGAGGAGTGTGGGGTGA-3'
Protein context (NP_004295.2, residues 505-525): TLKDARFQDH[Gln515Glu]DHALLLSTTD

ClinVar aggregate classification (germline): Uncertain significance. Review status: criteria provided, multiple submitters, no conflicts (2 of 4 stars). 2 submissions from 2 submitters: Uncertain significance (2). Last evaluated 2024-12-22.

Conditions:
Hereditary cancer-predisposing syndrome. Also called: Hereditary neoplastic syndrome; Tumor predisposition; Neoplastic Syndromes, Hereditary; Hereditary Cancer Syndrome. Identifiers: Orphanet 140162, MedGen C0027672, MeSH D009386, MONDO:0015356.
Neuroblastoma, susceptibility to, 3. Also called: ALK-Related Neuroblastic Tumor Susceptibility. Identifiers: Orphanet 635, MedGen C2751681, MONDO:0013083, OMIM 613014.

Allele frequency attached by ClinVar (database versions not stated): gnomAD exomes below 0.00001.
gnomAD v4.1: 1 of 1,613,718 alleles (0.000062%); highest among the groups gnomAD compares: East Asian, 0.0022%; no homozygotes.

Submissions (2):

Ambry Genetics
Classification: Uncertain significance for Hereditary cancer-predisposing syndrome. Last evaluated: 2024-12-22. Review status: criteria provided, single submitter. Criteria: Ambry Variant Classification Scheme 2023. Collection method: clinical testing. Allele origin: germline.
Comment: The p.Q515E variant (also known as c.1543C>G), located in coding exon 7 of the ALK gene, results from a C to G substitution at nucleotide position 1543. The glutamine at codon 515 is replaced by glutamic acid, an amino acid with highly similar properties. This amino acid position is conserved. In addition, this alteration is predicted to be tolerated by in silico analysis. Based on the available evidence, the clinical significance of this variant remains unclear.

Labcorp Genetics (formerly Invitae), Labcorp
Classification: Uncertain significance for Neuroblastoma, susceptibility to, 3. Last evaluated: 2024-02-24. Review status: criteria provided, single submitter. Criteria: Invitae Variant Classification Sherloc (09022015). Collection method: clinical testing. Allele origin: germline.
Comment: This sequence change replaces glutamine, which is neutral and polar, with glutamic acid, which is acidic and polar, at codon 515 of the ALK protein (p.Gln515Glu). This variant is present in population databases (no rsID available, gnomAD 0.006%). This variant has not been reported in the literature in individuals affected with ALK-related conditions. ClinVar contains an entry for this variant (Variation ID: 855138). An algorithm developed to predict the effect of missense changes on protein structure and function (PolyPhen-2) suggests that this variant is likely to be tolerated. In summary, the available evidence is currently insufficient to determine the role of this variant in disease. Therefore, it has been classified as a Variant of Uncertain Significance.